The following is an entry in ClinVar:

NM_000500.9(CYP21A2):c.405del (p.Met136fs)

Genes: CYP21A2 (cytochrome P450 family 21 subfamily A member 2; plus strand), LOC106780800 (CYP21A2 recombination region; plus strand). Cytogenetic location: 6p21.33.
Variant type: Deletion.
Coding change: c.405del on transcript NM_000500.9 (MANE Select); coding-DNA position 405, one base deleted (C; older notation c.405delC).
Protein change: p.Met136fs; shifts the reading frame from methionine 136.
Molecular consequence: frameshift variant. On other transcripts: 5 prime UTR variant (2).
Genome position (GRCh38, 1-based): chr6:32,039,206, C deleted; the last of 2 consecutive C bases (chr6:32,039,205-32,039,206); deleting either gives the same sequence. VCF-style (leftmost placement, unchanged base first): chr6-32039204-TC-T. GRCh37 (hg19) VCF-style: chr6-32006981-TC-T.
Other names: p.Met136TrpfsTer8; c.315del, p.Met106fs (NM_001128590.4); c.-1del (NM_001368143.2, NM_001368144.2); c.405delC (NM_000500.9); short protein forms M136fs, M106fs.
Identifiers: ClinVar variation 1345037 (VCV001345037.2), dbSNP rs2151871966, ClinGen allele CA2573140179.

ClinVar aggregate classification (germline): Likely pathogenic (1 of 4 stars; one submission).

Conditions:
21-Hydroxylase-Deficient Congenital Adrenal Hyperplasia. Also called: ADRENAL HYPERPLASIA, CONGENITAL, DUE TO 21-HYDROXYLASE DEFICIENCY; ADRENAL HYPERPLASIA III. Identifiers: MedGen C2936858, OMIM 201910.

Submission:

Institute of Medical Genetics and Genomics, Sir Ganga Ram Hospital
Classification: Likely pathogenic for 21-Hydroxylase-Deficient Congenital Adrenal Hyperplasia. Last evaluated: 2021-03-10. Review status: criteria provided, single submitter. Criteria: ACMG Guidelines, 2015. Collection method: clinical testing. Allele origin: germline. Affected: yes. Observed: 1 variant allele.

Literature cited by the submitters: PubMed 23359698; PubMed 33552137; PubMed 30611409; PubMed 29035424.